The following is an entry in ClinVar:

ClinVar aggregate classification (germline): Uncertain significance (1 of 4 stars; one submission).

Allele frequency attached by ClinVar (database versions not stated): gnomAD exomes below 0.00001.

Submission:

Labcorp Genetics (formerly Invitae), Labcorp
Classification: Uncertain significance. Last evaluated: 2022-09-28. Review status: criteria provided, single submitter. Criteria: Invitae Variant Classification Sherloc (09022015). Collection method: clinical testing. Allele origin: germline.
Comment: In summary, the available evidence is currently insufficient to determine the role of this variant in disease. Therefore, it has been classified as a Variant of Uncertain Significance. Algorithms developed to predict the effect of missense changes on protein structure and function are either unavailable or do not agree on the potential impact of this missense change (SIFT: "Deleterious"; PolyPhen-2: "Probably Damaging"; Align-GVGD: "Class C15"). This variant has not been reported in the literature in individuals affected with MAST1-related conditions. This variant is not present in population databases (gnomAD no frequency). This sequence change replaces arginine, which is basic and polar, with tryptophan, which is neutral and slightly polar, at codon 160 of the MAST1 protein (p.Arg160Trp).

NM_014975.3(MAST1):c.478C>T (p.Arg160Trp)

Gene: MAST1 (microtubule associated serine/threonine kinase 1; plus strand). Cytogenetic location: 19p13.13.
Variant type: single nucleotide variant.
Coding change: c.478C>T on transcript NM_014975.3 (MANE Select); coding-DNA position 478, C replaced by T.
Protein change: p.Arg160Trp; replaces arginine 160 with tryptophan.
Molecular consequence: missense variant.
Genome position (GRCh38, 1-based): chr19:12,847,440, C>T. VCF-style: chr19-12847440-C-T. GRCh37 (hg19) VCF-style: chr19-12958254-C-T.
Other names: short protein forms R160W.
Identifiers: ClinVar variation 2033248 (VCV002033248.4), dbSNP rs2512523492, ClinGen allele CA404259338.